The following is an entry in ClinVar:

ClinVar aggregate classification (germline): Likely benign (1 of 4 stars; one submission).

Allele frequency attached by ClinVar (database versions not stated): 1000 Genomes Project 0.00100; 1000 Genomes Project 30x 0.00109; TOPMed 0.00193; ESP Exome Variant Server 0.00216; gnomAD 0.00471; ExAC 0.01049.
gnomAD v4.1: 5,380 of 1,580,982 alleles (0.34%); highest among the groups gnomAD compares: Admixed American, 0.24%; 59 homozygotes.

Submission:

CeGaT Center for Human Genetics Tuebingen
Classification: Likely benign. Last evaluated: 2022-11-01. Review status: criteria provided, single submitter. Criteria: CeGaT Center For Human Genetics Tuebingen Variant Classification Criteria Version 2. Collection method: clinical testing. Allele origin: germline. Affected: yes. Observed: 2 variant alleles.
Comment: CCDC57: BP4, BP7, BS2

NM_001394669.1(CCDC57):c.993C>G (p.Leu331=)

Gene: CCDC57 (coiled-coil domain containing 57; minus strand). Cytogenetic location: 17q25.3.
Variant type: single nucleotide variant.
Coding change: c.993C>G on transcript NM_001394669.1 (MANE Select); coding-DNA position 993, C replaced by G.
Protein change: p.Leu331=; no amino-acid change (leucine 331 retained).
Molecular consequence: synonymous variant. On other transcripts: 5 prime UTR variant (1).
Genome position (GRCh38, 1-based): chr17:82,188,278, G>C on the plus strand (C>G on the coding strand, the complement: CCDC57 is on the minus strand). VCF-style: chr17-82188278-G-C. GRCh37 (hg19) VCF-style: chr17-80146154-G-C.
Other names: c.993C>G, p.Leu331= (NM_001316321.3, NM_001394670.1, NM_198082.4); c.-321C>G (NM_001367828.2).
Identifiers: ClinVar variation 2648488 (VCV002648488.24), dbSNP rs201504809, ClinGen allele CA8854419.
Genomic context (GRCh38, chr17:82,188,278, plus strand): 5'-CTGGTCAATGGCAGCGTCCTTCTCCTTGGCGGTGTCAGCCTGTCTCCACTCTGCCCTGCG[G>C]AGCTGCGCCTCGAGGGTCTCGCAGTGGGCCTGCAGCTCCAGAACCCTGGTCTGCAGCTCC-3'
Protein context (NP_001381598.1, residues 321-341): QAHCETLEAQ[Leu331=]RRAEWRQADT